The following is an entry in ClinVar:

ClinVar aggregate classification (germline): Pathogenic. Review status: criteria provided, single submitter (1 of 4 stars). 2 submissions from 2 submitters: Pathogenic (1). 1 of the submissions does not count toward it. Last evaluated 2025-08-12.

Conditions:
Bosch-Boonstra-Schaaf optic atrophy syndrome (BBSOAS). Also called: NR2F1-Related Neurodevelopmental Disorder. Identifiers: Orphanet 401777, MedGen C3810363, MONDO:0014320, OMIM 615722.

Submissions (2):

Rady Children's Institute for Genomic Medicine, Rady Children's Hospital San Diego
Classification: Pathogenic for Bosch-Boonstra-Schaaf optic atrophy syndrome. Last evaluated: 2025-08-12. Review status: criteria provided, single submitter. Criteria: ACMG Guidelines, 2015. Collection method: clinical testing. Allele origin: germline. Affected: yes.
Comment: The c.403C>T (p.Arg135Cys) variant affects a highly conserved amino acid and is predicted by multiple in silico tools to have a deleterious effect on protein function. This variant has been previously reported as a de novo heterozygous change in patients with Bosch-Boonstra-Schaaf optic atrophy syndrome (PMID: 25877686, 31873310). Different amino acid changes at the same residue (p.Arg135Ser, p.Arg135Gly) have been previously reported in affected individuals (PMID: 26986877, 38010976). The c.403C>T (p.Arg135Cys) variant is absent from the latest version of the gnomAD population database and thus is presumed to be rare. Based on parental analysis, this variant likely occurred as a de novo event. Based on the available evidence, c.403C>T (p.Arg135Cys) is classified as Pathogenic.

Molecular Genetics Laboratory, BC Children's and BC Women's Hospitals
Classification: Pathogenic for Bosch-Boonstra-Schaaf optic atrophy syndrome. Last evaluated: 2018-01-22. Review status: no assertion criteria provided. Criteria: ACMG Guidelines, 2015. Collection method: clinical testing. Allele origin: de novo. Affected: yes. Not counted in ClinVar's aggregate classification.

Literature cited by the submitters: PubMed 25877686 (cited by Rady Children's Institute for Genomic Medicine, Rady Children's Hospital San Diego); PubMed 26986877 (cited by Rady Children's Institute for Genomic Medicine, Rady Children's Hospital San Diego); PubMed 31873310 (cited by Rady Children's Institute for Genomic Medicine, Rady Children's Hospital San Diego); PubMed 38010976 (cited by Rady Children's Institute for Genomic Medicine, Rady Children's Hospital San Diego).

NM_005654.6(NR2F1):c.403C>T (p.Arg135Cys)

Genes: NR2F1-AS1 (NR2F1 regulatory antisense RNA 1; minus strand), NR2F1 (nuclear receptor subfamily 2 group F member 1; plus strand). Cytogenetic location: 5q15.
Variant type: single nucleotide variant.
Coding change: c.403C>T on transcript NM_005654.6 (MANE Select); coding-DNA position 403, C replaced by T.
Protein change: p.Arg135Cys; replaces arginine 135 with cysteine.
Molecular consequence: missense variant.
Genome position (GRCh38, 1-based): chr5:93,585,426, C>T. VCF-style: chr5-93585426-C-T. GRCh37 (hg19) VCF-style: chr5-92921132-C-T.
Other names: short protein forms R135C.
Identifiers: ClinVar variation 559633 (VCV000559633.2), dbSNP rs1022192010, ClinGen allele CA123266258.